The following is an entry in ClinVar:

ClinVar aggregate classification (germline): Uncertain significance (1 of 4 stars; one submission).

Submission:

Ambry Genetics
Classification: Uncertain significance. Last evaluated: 2025-08-24. Review status: criteria provided, single submitter. Criteria: Ambry Variant Classification Scheme 2023. Collection method: clinical testing. Allele origin: germline.
Comment: The p.A464G variant (also known as c.1391C>G), located in coding exon 6 of the WNK2 gene, results from a C to G substitution at nucleotide position 1391. The alanine at codon 464 is replaced by glycine, an amino acid with similar properties. This amino acid position is conserved. In addition, the in silico prediction for this alteration is inconclusive. Based on the available evidence, the clinical significance of this variant remains unclear.

NM_006648.4(WNK2):c.1391C>G (p.Ala464Gly)

Gene: WNK2 (WNK lysine deficient protein kinase 2; plus strand). Cytogenetic location: 9q22.31.
Variant type: single nucleotide variant.
Coding change: c.1391C>G on transcript NM_006648.4 (MANE Select); coding-DNA position 1391, C replaced by G.
Protein change: p.Ala464Gly; replaces alanine 464 with glycine.
Molecular consequence: missense variant.
Genome position (GRCh38, 1-based): chr9:93,239,825, C>G. VCF-style: chr9-93239825-C-G. GRCh37 (hg19) VCF-style: chr9-96002107-C-G.
Other names: c.1391C>G, p.Ala464Gly (NM_001282394.3); short protein forms A464G.
Identifiers: ClinVar variation 4201811 (VCV004201811.1).